The following is an entry in ClinVar:

NM_000277.3(PAH):c.969+2T>G

Gene: PAH (phenylalanine hydroxylase; minus strand). Cytogenetic location: 12q23.2.
Variant type: single nucleotide variant.
Coding change: c.969+2T>G on transcript NM_000277.3 (MANE Select); the canonical splice donor site of the intron after coding-DNA position 969, T replaced by G.
Molecular consequence: splice donor variant.
Genome position (GRCh38, 1-based): chr12:102,846,893, A>C on the plus strand (T>G on the coding strand, the complement: PAH is on the minus strand). VCF-style: chr12-102846893-A-C. GRCh37 (hg19) VCF-style: chr12-103240671-A-C.
Other names: c.969+2T>G (NM_001354304.2).
Identifiers: ClinVar variation 935840 (VCV000935840.8), dbSNP rs1477313214, ClinGen allele CA386291530.

ClinVar aggregate classification (germline): Pathogenic (1 of 4 stars; one submission).

Conditions:
Phenylketonuria (PKU). Also called: OLIGOPHRENIA PHENYLPYRUVICA; Phenylketonurias; Phenylketonuria (PKU); FOLLING DISEASE. Identifiers: Orphanet 716, MedGen C0031485, MONDO:0009861, OMIM 261600. Disease mechanism: loss of function.

Allele frequency attached by ClinVar (database versions not stated): gnomAD exomes below 0.00001.
gnomAD v4.1: 1 of 1,612,884 alleles (0.000062%); highest among the groups gnomAD compares: South Asian, 0.0011%; no homozygotes.

Submission:

Labcorp Genetics (formerly Invitae), Labcorp
Classification: Pathogenic for Phenylketonuria. Last evaluated: 2019-06-20. Review status: criteria provided, single submitter. Criteria: Invitae Variant Classification Sherloc (09022015). Collection method: clinical testing. Allele origin: germline.
Comment: For these reasons, this variant has been classified as Pathogenic. Donor and acceptor splice site variants typically lead to a loss of protein function (PMID: 16199547), and loss-of-function variants in PAH are known to be pathogenic (PMID: 1301187, 9634518). Disruption of this splice site has been observed in combination with another PAH variant in an individual affected with phenylketonuria (PMID: 26666653). This variant is not present in population databases (ExAC no frequency). This sequence change affects a donor splice site in intron 9 of the PAH gene. It is expected to disrupt RNA splicing and likely results in an absent or disrupted protein product.

Literature cited by the submitters: PubMed 16199547; PubMed 1301187; PubMed 9634518; PubMed 26666653.